The following is an entry in ClinVar:

NC_000009.11:g.(137534143_137582757)_(137736690_?)del

Gene: COL5A1 (collagen type V alpha 1 chain; plus strand). Cytogenetic location: 9q34.3.
Variant type: Deletion.
Identifiers: ClinVar variation 4853029 (VCV004853029.1).

ClinVar aggregate classification (germline): Pathogenic (1 of 4 stars; one submission).

Conditions:
Ehlers-Danlos syndrome, classic type, 1 (EDSCL1). Also called: Ehlers-Danlos Syndrome, Classic Type, COL5A1-Related; EDS I; EHLERS-DANLOS SYNDROME, GRAVIS TYPE; EHLERS-DANLOS SYNDROME, SEVERE CLASSIC TYPE; Ehlers-Danlos syndrome, type 1. Identifiers: MedGen C0268335, MONDO:0019567, OMIM 130000.

Submission:

Women's Health and Genetics/Laboratory Corporation of America, LabCorp
Classification: Pathogenic for Ehlers-Danlos syndrome, classic type, 1. Last evaluated: 2026-05-18. Review status: criteria provided, single submitter. Criteria: LabCorp Variant Classification Summary - May 2015. Collection method: clinical testing. Allele origin: germline.
Comment: Variant summary: The variant involves the deletion of exons 2-66 in the COL5A1 gene. A presumed nomenclature of c.(109+1_110-1)_(*2541_?)del has been designated for the purposes of this classification. The exact breakpoint at the distal 3' end of this variant is unknown, therefore this deletion may extend downstream of the annotated region of the gene. As it encompasses the termination codon, it is predicted to escape nonsense mediated decay (NMD). Loss-of-function variants in this gene are known to be pathogenic. The variant was absent in 21694 control chromosomes. To our knowledge, no occurrence of c.(109+1_110-1)_(*2541_?)del in individuals affected with COL5A1-related conditions and no experimental evidence demonstrating its impact on protein function have been reported. However variants within the deleted region have been classified as pathogenic, providing evidence that the region altered by the variant is critical to protein function. No submitters have cited clinical-significance assessments for this variant to ClinVar. Based on the evidence outlined above, the variant was classified as pathogenic.